The following is an entry in ClinVar:

ClinVar aggregate classification (germline): Benign/Likely benign. Review status: criteria provided, multiple submitters, no conflicts (2 of 4 stars). 6 submissions from 6 submitters: Benign (5); Likely benign (1). Last evaluated 2026-02-04.

Conditions:
Familial thoracic aortic aneurysm and aortic dissection (TAAD). Also called: Thoracic aortic aneurysms and dissections. Identifiers: Orphanet 91387, MedGen C4707243, MONDO:0019625.
FG syndrome (FGS). Identifiers: MedGen C0220769, MONDO:0002010.

Allele frequency attached by ClinVar (database versions not stated): gnomAD exomes 0.00068 and 0.00157; ExAC 0.00201; 1000 Genomes Project 30x 0.00520; 1000 Genomes Project 0.00530; gnomAD 0.00561 and 0.00604; TOPMed 0.00673; ESP Exome Variant Server 0.00685.
gnomAD v4.1: 1,401 of 1,208,905 alleles (0.12%); highest among the groups gnomAD compares: African/African-American, 1.9%; 10 homozygotes.

Submissions (6):

Labcorp Genetics (formerly Invitae), Labcorp
Classification: Benign for FG syndrome. Last evaluated: 2026-02-04. Review status: criteria provided, single submitter. Criteria: Invitae Variant Classification Sherloc (09022015). Collection method: clinical testing. Allele origin: germline.

Blueprint Genetics
Classification: Likely benign. Last evaluated: 2024-11-26. Review status: criteria provided, single submitter. Criteria: ACMG Guidelines, 2015. Collection method: clinical testing. Allele origin: germline.

Ambry Genetics
Classification: Benign for Familial thoracic aortic aneurysm and aortic dissection. Last evaluated: 2015-08-25. Review status: criteria provided, single submitter. Criteria: Ambry Variant Classification Scheme 2023. Collection method: clinical testing. Allele origin: germline.

GeneDx
Classification: Benign. Last evaluated: 2014-09-22. Review status: criteria provided, single submitter. Criteria: GeneDx Variant Classification (06012015). Collection method: clinical testing. Allele origin: germline. Affected: yes.
Comment: This variant is considered likely benign or benign based on one or more of the following criteria: it is a conservative change, it occurs at a poorly conserved position in the protein, it is predicted to be benign by multiple in silico algorithms, and/or has population frequency not consistent with disease.

Eurofins Ntd Llc (ga)
Classification: Benign. Last evaluated: 2014-02-05. Review status: criteria provided, single submitter. Criteria: EGL Classification Definitions 2015. Collection method: clinical testing. Allele origin: germline. Observed: 1 variant allele, 1 hemizygote.

Breakthrough Genomics
Classification: Benign. Review status: criteria provided, single submitter. Criteria: ACMG Guidelines, 2015. Collection method: not provided. Allele origin: germline. Inheritance: X-linked inheritance. Affected: yes.

NM_005120.3(MED12):c.2886C>T (p.Ser962=)

Gene: MED12 (mediator complex subunit 12; plus strand). Cytogenetic location: Xq13.1.
Variant type: single nucleotide variant.
Coding change: c.2886C>T on transcript NM_005120.3 (MANE Select); coding-DNA position 2886, C replaced by T.
Protein change: p.Ser962=; no amino-acid change (serine 962 retained).
Molecular consequence: synonymous variant.
Genome position (GRCh38, 1-based): chrX:71,127,372, C>T. VCF-style: chrX-71127372-C-T. GRCh37 (hg19) VCF-style: chrX-70347222-C-T.
Identifiers: ClinVar variation 167283 (VCV000167283.21), dbSNP rs34761462, ClinGen allele CA295626.